The following is an entry in ClinVar:

ClinVar aggregate classification (germline): Uncertain significance. Review status: criteria provided, multiple submitters, no conflicts (2 of 4 stars). 3 submissions from 3 submitters: Uncertain significance (3). Last evaluated 2026-01-21.

Conditions:
Inborn genetic diseases. Identifiers: MedGen C0950123, MeSH D030342.
Bethlem myopathy 1A. Also called: Bethlem Muscular Dystrophy; MYOPATHY, BENIGN CONGENITAL, WITH CONTRACTURES; Bethlem myopathy 1. Identifiers: Orphanet 610, MedGen CN029274, MONDO:0024530, OMIM 158810.

Allele frequency attached by ClinVar (database versions not stated): gnomAD 0.00004; TOPMed 0.00009; 1000 Genomes Project 30x 0.00016; 1000 Genomes Project 0.00020.
gnomAD v4.1: 31 of 1,613,304 alleles (0.0019%); highest among the groups gnomAD compares: Admixed American, 0.02%; no homozygotes.

Submissions (3):

Labcorp Genetics (formerly Invitae), Labcorp
Classification: Uncertain significance for Bethlem myopathy 1A. Last evaluated: 2026-01-21. Review status: criteria provided, single submitter. Criteria: Invitae Variant Classification Sherloc (09022015). Collection method: clinical testing. Allele origin: germline.
Comment: This sequence change replaces glutamic acid, which is acidic and polar, with aspartic acid, which is acidic and polar, at codon 1247 of the COL6A3 protein (p.Glu1247Asp). This variant is present in population databases (rs577927810, gnomAD 0.01%). This variant has not been reported in the literature in individuals affected with COL6A3-related conditions. ClinVar contains an entry for this variant (Variation ID: 497227). Invitae Evidence Modeling of protein sequence and biophysical properties (such as structural, functional, and spatial information, amino acid conservation, physicochemical variation, residue mobility, and thermodynamic stability) indicates that this missense variant is not expected to disrupt COL6A3 protein function with a negative predictive value of 80%. In summary, the available evidence is currently insufficient to determine the role of this variant in disease. Therefore, it has been classified as a Variant of Uncertain Significance.

Ambry Genetics
Classification: Uncertain significance for Inborn genetic diseases. Last evaluated: 2023-11-03. Review status: criteria provided, single submitter. Criteria: Ambry Variant Classification Scheme 2023. Collection method: clinical testing. Allele origin: germline.

Eurofins Ntd Llc (ga)
Classification: Uncertain significance. Last evaluated: 2016-09-28. Review status: criteria provided, single submitter. Criteria: EGL Classification Definitions 2015. Collection method: clinical testing. Allele origin: germline. Observed: 2 variant alleles, 2 heterozygotes.

NM_004369.4(COL6A3):c.3741G>C (p.Glu1247Asp)

Gene: COL6A3 (collagen type VI alpha 3 chain; minus strand). Cytogenetic location: 2q37.3.
Variant type: single nucleotide variant.
Coding change: c.3741G>C on transcript NM_004369.4 (MANE Select); coding-DNA position 3741, G replaced by C.
Protein change: p.Glu1247Asp; replaces glutamic acid 1247 with aspartic acid.
Molecular consequence: missense variant.
Genome position (GRCh38, 1-based): chr2:237,372,276, C>G on the plus strand (G>C on the coding strand, the complement: COL6A3 is on the minus strand). VCF-style: chr2-237372276-C-G. GRCh37 (hg19) VCF-style: chr2-238280919-C-G.
Other names: c.2520G>C, p.Glu840Asp (NM_057164.5); c.3123G>C, p.Glu1041Asp (NM_057165.5, NM_057167.4); c.1920G>C, p.Glu640Asp (NM_057166.5); short protein forms E1247D, E1041D, E840D, E640D.
Identifiers: ClinVar variation 497227 (VCV000497227.12), dbSNP rs577927810, ClinGen allele CA2189087.